The following is an entry in ClinVar:

NM_000170.3(GLDC):c.2782C>T (p.Gln928Ter)

Gene: GLDC (glycine decarboxylase; minus strand). Cytogenetic location: 9p24.1.
Variant type: single nucleotide variant.
Coding change: c.2782C>T on transcript NM_000170.3 (MANE Select); coding-DNA position 2782, C replaced by T.
Protein change: p.Gln928Ter; replaces glutamine 928 with a stop codon.
Molecular consequence: nonsense.
Genome position (GRCh38, 1-based): chr9:6,536,120, G>A on the plus strand (C>T on the coding strand, the complement: GLDC is on the minus strand). VCF-style: chr9-6536120-G-A. GRCh37 (hg19) VCF-style: chr9-6536120-G-A.
Other names: short protein forms Q928*.
Identifiers: ClinVar variation 2777717 (VCV002777717.3), dbSNP rs1563827503, ClinGen allele CA372882599.

ClinVar aggregate classification (germline): Pathogenic (1 of 4 stars; one submission).

Conditions:
Glycine encephalopathy. Also called: Nonketotic hyperglycinemia; Non-ketotic hyperglycinemia. Identifiers: Orphanet 407, MedGen C0751748, MONDO:0011612, HP:0008288.

Allele frequency attached by ClinVar (database versions not stated): gnomAD exomes below 0.00001.
gnomAD v4.1: 4 of 1,614,110 alleles (0.00025%); highest among the groups gnomAD compares: Non-Finnish European, 0.00017%; no homozygotes.

Submission:

Labcorp Genetics (formerly Invitae), Labcorp
Classification: Pathogenic for Glycine encephalopathy. Last evaluated: 2024-01-27. Review status: criteria provided, single submitter. Criteria: Invitae Variant Classification Sherloc (09022015). Collection method: clinical testing. Allele origin: germline.
Comment: This sequence change creates a premature translational stop signal (p.Gln928*) in the GLDC gene. It is expected to result in an absent or disrupted protein product. Loss-of-function variants in GLDC are known to be pathogenic (PMID: 16601880). This variant is not present in population databases (gnomAD no frequency). This variant has not been reported in the literature in individuals affected with GLDC-related conditions. For these reasons, this variant has been classified as Pathogenic.

Literature cited by the submitters: PubMed 16601880.